The following is an entry in ClinVar:

NM_017563.5(IL17RD):c.1051_1052del (p.Arg351fs)

Gene: IL17RD (interleukin 17 receptor D; minus strand). Cytogenetic location: 3p14.3.
Variant type: Microsatellite.
Coding change: c.1051_1052del on transcript NM_017563.5 (MANE Select); coding-DNA positions 1051 to 1052, 2 bases deleted (AG; older notation c.1051_1052delAG).
Protein change: p.Arg351fs; shifts the reading frame from arginine 351.
Molecular consequence: frameshift variant.
Genome position (GRCh38, 1-based): chr3:57,101,291-57,101,292, CT deleted on the plus strand (AG on the coding strand, the reverse complement: IL17RD is on the minus strand); deleting any 2 consecutive bases within chr3:57,101,291-57,101,298 gives the same sequence; the c. name uses the placement nearest the transcript's 3' end. VCF-style (leftmost placement, unchanged base first): chr3-57101290-CCT-C. GRCh37 (hg19) VCF-style: chr3-57135318-CCT-C.
Other names: c.1045_1046AG[3], p.Arg351Alafs (NM_001080973.1); c.619_620del, p.Arg207fs (NM_001318864.2); short protein forms R207fs, R351fs.
Identifiers: ClinVar variation 2772475 (VCV002772475.3), dbSNP rs775836911, ClinGen allele CA2697556746.

ClinVar aggregate classification (germline): Uncertain significance (1 of 4 stars; one submission).

Submission:

Labcorp Genetics (formerly Invitae), Labcorp
Classification: Uncertain significance. Last evaluated: 2023-10-28. Review status: criteria provided, single submitter. Criteria: Invitae Variant Classification Sherloc (09022015). Collection method: clinical testing. Allele origin: germline.
Comment: This sequence change creates a premature translational stop signal (p.Arg351Alafs*14) in the IL17RD gene. It is expected to result in an absent or disrupted protein product. However, the current clinical and genetic evidence is not sufficient to establish whether loss-of-function variants in IL17RD cause disease. This variant is not present in population databases (gnomAD no frequency). This variant has not been reported in the literature in individuals affected with IL17RD-related conditions. In summary, the available evidence is currently insufficient to determine the role of this variant in disease. Therefore, it has been classified as a Variant of Uncertain Significance.